The following is an entry in ClinVar:

NM_015047.3(EMC1):c.689T>G (p.Val230Gly)

Genes: EMC1 (ER membrane protein complex subunit 1; minus strand), EMC1-AS1 (EMC1 antisense RNA 1; plus strand). Cytogenetic location: 1p36.13.
Variant type: single nucleotide variant.
Coding change: c.689T>G on transcript NM_015047.3 (MANE Select); coding-DNA position 689, T replaced by G.
Protein change: p.Val230Gly; replaces valine 230 with glycine.
Molecular consequence: missense variant. On other transcripts: non-coding transcript variant (1).
Genome position (GRCh38, 1-based): chr1:19,240,394, A>C on the plus strand (T>G on the coding strand, the complement: EMC1 is on the minus strand). VCF-style: chr1-19240394-A-C. GRCh37 (hg19) VCF-style: chr1-19566888-A-C.
Other names: c.689T>G, p.Val230Gly (NM_001271427.2, NM_001271428.2, NM_001375820.1 and 1 more transcripts); c.623T>G, p.Val208Gly (NM_001271429.2); short protein forms V230G, V208G.
Identifiers: ClinVar variation 1500365 (VCV001500365.8), dbSNP rs2093597859, ClinGen allele CA338769116.

ClinVar aggregate classification (germline): Uncertain significance (1 of 4 stars; one submission).

Allele frequency attached by ClinVar (database versions not stated): gnomAD exomes below 0.00001.
gnomAD v4.1: 1 of 1,614,204 alleles (0.000062%); highest among the groups gnomAD compares: African/African-American, 0.0013%; no homozygotes.

Submission:

Labcorp Genetics (formerly Invitae), Labcorp
Classification: Uncertain significance. Last evaluated: 2024-06-04. Review status: criteria provided, single submitter. Criteria: Invitae Variant Classification Sherloc (09022015). Collection method: clinical testing. Allele origin: germline.
Comment: This sequence change replaces valine, which is neutral and non-polar, with glycine, which is neutral and non-polar, at codon 230 of the EMC1 protein (p.Val230Gly). This variant is not present in population databases (gnomAD no frequency). This variant has not been reported in the literature in individuals affected with EMC1-related conditions. ClinVar contains an entry for this variant (Variation ID: 1500365). Advanced modeling of protein sequence and biophysical properties (such as structural, functional, and spatial information, amino acid conservation, physicochemical variation, residue mobility, and thermodynamic stability) performed at Invitae indicates that this missense variant is expected to disrupt EMC1 protein function with a positive predictive value of 80%. In summary, the available evidence is currently insufficient to determine the role of this variant in disease. Therefore, it has been classified as a Variant of Uncertain Significance.